The following is an entry in ClinVar:

ClinVar aggregate classification (germline): Uncertain significance (1 of 4 stars; one submission).

Submission:

GeneDx
Classification: Uncertain significance. Last evaluated: 2025-02-20. Review status: criteria provided, single submitter. Criteria: GeneDx Variant Classification Process June 2021. Collection method: clinical testing. Allele origin: germline. Affected: yes.
Comment: Not observed at significant frequency in large population cohorts (gnomAD); In silico analysis indicates that this missense variant does not alter protein structure/function; Has not been previously published as pathogenic or benign to our knowledge

NM_139137.4(KCNC2):c.1081C>A (p.Leu361Ile)

Gene: KCNC2 (potassium voltage-gated channel subfamily C member 2; minus strand). Cytogenetic location: 12q21.1.
Variant type: single nucleotide variant.
Coding change: c.1081C>A on transcript NM_139137.4 (MANE Select); coding-DNA position 1081, C replaced by A.
Protein change: p.Leu361Ile; replaces leucine 361 with isoleucine.
Molecular consequence: missense variant. On other transcripts: non-coding transcript variant (1).
Genome position (GRCh38, 1-based): chr12:75,050,924, G>T on the plus strand (C>A on the coding strand, the complement: KCNC2 is on the minus strand). VCF-style: chr12-75050924-G-T. GRCh37 (hg19) VCF-style: chr12-75444704-G-T.
Other names: c.1081C>A, p.Leu361Ile (NM_001260497.2, NM_001260498.2, NM_001260499.2 and 13 more transcripts); short protein forms L361I.
Identifiers: ClinVar variation 4076723 (VCV004076723.1).